The following is an entry in ClinVar:

ClinVar aggregate classification (germline): Uncertain significance (1 of 4 stars; one submission).

Submission:

GeneDx
Classification: Uncertain significance. Last evaluated: 2019-10-06. Review status: criteria provided, single submitter. Criteria: GeneDx Variant Classification Process June 2021. Collection method: clinical testing. Allele origin: germline. Affected: yes.
Comment: Not observed in large population cohorts (Lek et al., 2016); In silico analysis, which includes protein predictors and evolutionary conservation, supports a deleterious effect; Has not been previously published as pathogenic or benign to our knowledge

NM_139315.3(TAF6):c.644A>G (p.Glu215Gly)

Gene: TAF6 (TATA-box binding protein associated factor 6; minus strand). Cytogenetic location: 7q22.1.
Variant type: single nucleotide variant.
Coding change: c.644A>G on transcript NM_139315.3 (MANE Select); coding-DNA position 644, A replaced by G.
Protein change: p.Glu215Gly; replaces glutamic acid 215 with glycine.
Molecular consequence: missense variant. On other transcripts: non-coding transcript variant (1).
Genome position (GRCh38, 1-based): chr7:100,112,184, T>C on the plus strand (A>G on the coding strand, the complement: TAF6 is on the minus strand). VCF-style: chr7-100112184-T-C. GRCh37 (hg19) VCF-style: chr7-99709807-T-C.
Other names: c.755A>G, p.Glu252Gly (NM_001190415.2); c.644A>G, p.Glu215Gly (NM_001364998.1, NM_001364999.1, NM_005641.4); c.614A>G, p.Glu205Gly (NM_001365000.1, NM_001365001.1, NM_001365002.1 and 1 more transcripts); c.782A>G, p.Glu261Gly (NM_001365004.1); short protein forms E205G, E215G, E252G, E261G.
Identifiers: ClinVar variation 1309011 (VCV001309011.2), dbSNP rs2116787458, ClinGen allele CA368488973.
Genomic context (GRCh38, chr7:100,112,184, plus strand): 5'-CAGGAGCCCACGCAGGCCTCGGTGATCTCCTTGTAGTAGAGCTGCTGCTCCACAGACAAC[T>C]CGTGGATGCTCCGGGGCTTCAGTCGCAAGGGGGCCCCCTCCAGCAAGGGCGGCGCCTTCT-3'
Protein context (NP_647476.1, residues 205-225): PLRLKPRSIH[Glu215Gly]LSVEQQLYYK